The following is an entry in ClinVar:

NM_003632.3(CNTNAP1):c.3191G>A (p.Arg1064Gln)

Gene: CNTNAP1 (contactin associated protein 1; plus strand). Cytogenetic location: 17q21.2.
Variant type: single nucleotide variant.
Coding change: c.3191G>A on transcript NM_003632.3 (MANE Select); coding-DNA position 3191, G replaced by A.
Protein change: p.Arg1064Gln; replaces arginine 1064 with glutamine.
Molecular consequence: missense variant.
Genome position (GRCh38, 1-based): chr17:42,695,719, G>A. VCF-style: chr17-42695719-G-A. GRCh37 (hg19) VCF-style: chr17-40847737-G-A.
Other names: short protein forms R1064Q.
Identifiers: ClinVar variation 3780976 (VCV003780976.1).
Genomic context (GRCh38, chr17:42,695,719, plus strand): 5'-ATACTCCGGGCTATGTGCCTGGCTACCATGGCCCCGGGTACCGCCTGCCCGACTACCCCC[G>A]GCCTGGTCGGCCTGTGCCCGGTTACCGTGGGCCTGTCTACAACGTTACGGGAGAGGAGGT-3'
Protein context (NP_003623.1, residues 1054-1074): GPGYRLPDYP[Arg1064Gln]PGRPVPGYRG

ClinVar aggregate classification (germline): Uncertain significance (1 of 4 stars; one submission).

gnomAD v4.1: 34 of 1,614,146 alleles (0.0021%); highest among the groups gnomAD compares: Middle Eastern, 0.033%; no homozygotes.

Submission:

GeneDx
Classification: Uncertain significance. Last evaluated: 2024-10-15. Review status: criteria provided, single submitter. Criteria: GeneDx Variant Classification Process June 2021. Collection method: clinical testing. Allele origin: germline. Affected: yes.
Comment: Reported previously in the heterozygous state in a patient with childhood apraxia of speech, gross motor impairment, and oral nonverbal motor impairment; no second variant was identified (PMID: 24083349); In silico analysis indicates that this missense variant does not alter protein structure/function; Not observed at significant frequency in large population cohorts (gnomAD); This variant is associated with the following publications: (PMID: 24083349)